The following is an entry in ClinVar:

ClinVar aggregate classification (germline): Uncertain significance (1 of 4 stars; one submission).

Submission:

Women's Health and Genetics/Laboratory Corporation of America, LabCorp
Classification: Uncertain significance. Last evaluated: 2026-05-22. Review status: criteria provided, single submitter. Criteria: LabCorp Variant Classification Summary - May 2015. Collection method: clinical testing. Allele origin: germline.
Comment: Variant summary: PCGF2 c.1010G>C (p.Gly337Ala) results in a non-conservative amino acid change in the encoded protein sequence. Algorithms developed to predict the effect of missense changes on protein structure and function are either unavailable or do not agree on the potential impact of this missense change. The variant was absent in 96134 control chromosomes. The available data on variant occurrences in the general population are insufficient to allow any conclusion about variant significance. To our knowledge, no occurrence of c.1010G>C in individuals affected with PCGF2-related conditions and no experimental evidence demonstrating its impact on protein function have been reported. No submitters have cited clinical-significance assessments for this variant to ClinVar. Based on the evidence outlined above, the variant was classified as uncertain significance.

NM_007144.3(PCGF2):c.1010G>C (p.Gly337Ala)

Genes: CISD3 (CDGSH iron sulfur domain 3; plus strand), PCGF2 (polycomb group ring finger 2; minus strand). Cytogenetic location: 17q12.
Variant type: single nucleotide variant.
Coding change: c.1010G>C on transcript NM_007144.3 (MANE Select); coding-DNA position 1010, G replaced by C.
Protein change: p.Gly337Ala; replaces glycine 337 with alanine.
Molecular consequence: missense variant. On other transcripts: 3 prime UTR variant (1).
Genome position (GRCh38, 1-based): chr17:38,735,248, C>G on the plus strand (G>C on the coding strand, the complement: PCGF2 is on the minus strand). VCF-style: chr17-38735248-C-G. GRCh37 (hg19) VCF-style: chr17-36891501-C-G.
Other names: c.*1793C>G (NM_001136498.2); c.1010G>C, p.Gly337Ala (NM_001369614.1, NM_001369615.1); short protein forms G337A.
Identifiers: ClinVar variation 4853704 (VCV004853704.1).